The following is an entry in ClinVar:

NM_005751.5(AKAP9):c.7229C>A (p.Thr2410Asn)

Gene: AKAP9 (A-kinase anchoring protein 9; plus strand). Cytogenetic location: 7q21.2.
Variant type: single nucleotide variant.
Coding change: c.7229C>A on transcript NM_005751.5 (MANE Select); coding-DNA position 7229, C replaced by A.
Protein change: p.Thr2410Asn; replaces threonine 2410 with asparagine.
Molecular consequence: missense variant.
Genome position (GRCh38, 1-based): chr7:92,079,362, C>A. VCF-style: chr7-92079362-C-A. GRCh37 (hg19) VCF-style: chr7-91708676-C-A.
Other names: c.1874C>A, p.Thr625Asn (NM_001379277.1); c.7205C>A, p.Thr2402Asn (NM_147185.3); short protein forms T625N, T2410N, T2402N.
Identifiers: ClinVar variation 1757792 (VCV001757792.7), dbSNP rs1331022410, ClinGen allele CA368135259.

ClinVar aggregate classification (germline): Conflicting classifications of pathogenicity. Review status: criteria provided, conflicting classifications (1 of 4 stars). 2 submissions from 2 submitters: Uncertain significance (1); Likely benign (1). Last evaluated 2026-08-28.

Conditions:
Long QT syndrome (LQTS). Identifiers: MedGen C0023976, MeSH D008133, MONDO:0002442. Disease mechanism: loss of function. Inheritance: Various modes of inheritance.
Cardiovascular phenotype. Identifiers: MedGen CN230736.

Allele frequency attached by ClinVar (database versions not stated): TOPMed 0.00002; gnomAD 0.00002.
gnomAD v4.1: 45 of 1,613,850 alleles (0.0028%); highest among the groups gnomAD compares: Non-Finnish European, 0.0035%; no homozygotes.

Submissions (2):

Ambry Genetics
Classification: Likely benign for Cardiovascular phenotype. Last evaluated: 2026-08-28. Review status: criteria provided, single submitter. Criteria: Ambry Variant Classification Scheme 2023. Collection method: clinical testing. Allele origin: germline.

Labcorp Genetics (formerly Invitae), Labcorp
Classification: Uncertain significance for Long QT syndrome. Last evaluated: 2023-07-31. Review status: criteria provided, single submitter. Criteria: Invitae Variant Classification Sherloc (09022015). Collection method: clinical testing. Allele origin: germline.
Comment: This variant has not been reported in the literature in individuals affected with AKAP9-related conditions. This sequence change replaces threonine, which is neutral and polar, with asparagine, which is neutral and polar, at codon 2410 of the AKAP9 protein (p.Thr2410Asn). This variant is present in population databases (no rsID available, gnomAD 0.007%). ClinVar contains an entry for this variant (Variation ID: 1757792). An algorithm developed to predict the effect of missense changes on protein structure and function (PolyPhen-2) suggests that this variant is likely to be tolerated. In summary, the available evidence is currently insufficient to determine the role of this variant in disease. Therefore, it has been classified as a Variant of Uncertain Significance.